The following is an entry in ClinVar:

NM_002941.4(ROBO1):c.173-79516C>A

Gene: ROBO1 (roundabout guidance receptor 1; minus strand). Cytogenetic location: 3p12.3.
Variant type: single nucleotide variant.
Coding change: c.173-79516C>A on transcript NM_002941.4 (MANE Select); 79516 bases into the intron before coding-DNA position 173, C replaced by A.
Molecular consequence: intron variant. On other transcripts: missense variant (3).
Genome position (GRCh38, 1-based): chr3:79,018,443, G>T on the plus strand (C>A on the coding strand, the complement: ROBO1 is on the minus strand). VCF-style: chr3-79018443-G-T. GRCh37 (hg19) VCF-style: chr3-79067593-G-T.
Other names: c.19C>A, p.His7Asn (NM_001145844.1, NM_001145845.2, NM_133631.4); short protein forms H7N.
Identifiers: ClinVar variation 2653983 (VCV002653983.24), dbSNP rs758521970, ClinGen allele CA2499340.

ClinVar aggregate classification (germline): Uncertain significance (1 of 4 stars; one submission).

Allele frequency attached by ClinVar (database versions not stated): gnomAD 0.00001.

Submission:

CeGaT Center for Human Genetics Tuebingen
Classification: Uncertain significance. Last evaluated: 2023-08-01. Review status: criteria provided, single submitter. Criteria: CeGaT Center For Human Genetics Tuebingen Variant Classification Criteria Version 2. Collection method: clinical testing. Allele origin: germline. Affected: yes. Observed: 1 variant allele.
Comment: ROBO1: PM2, BP4